The following is an entry in ClinVar:

NM_004415.4(DSP):c.3948T>C (p.Ala1316=)

Gene: DSP (desmoplakin; plus strand). Cytogenetic location: 6p24.3.
Variant type: single nucleotide variant.
Coding change: c.3948T>C on transcript NM_004415.4 (MANE Select); coding-DNA position 3948, T replaced by C.
Protein change: p.Ala1316=; no amino-acid change (alanine 1316 retained).
Molecular consequence: synonymous variant. On other transcripts: intron variant (1).
Genome position (GRCh38, 1-based): chr6:7,580,138, T>C. VCF-style: chr6-7580138-T-C. GRCh37 (hg19) VCF-style: chr6-7580371-T-C.
Other names: c.3948T>C, p.Ala1316= (NM_001319034.2); c.3582+366T>C (NM_001008844.3).
Identifiers: ClinVar variation 517653 (VCV000517653.4), dbSNP rs1554108219, ClinGen allele CA448714502.

ClinVar aggregate classification (germline): Likely benign (1 of 4 stars; one submission).

Submission:

Laboratory for Molecular Medicine, Mass General Brigham Personalized Medicine
Classification: Likely benign. Last evaluated: 2017-12-22. Review status: criteria provided, single submitter. Criteria: LMM Criteria. Collection method: clinical testing. Allele origin: germline. Observed: 1 variant allele.
Comment: The p.Ala1316Ala variant in exon 23 of DSP: This variant is not expected to have clinical significance because it does not alter an amino acid residue and is no t located within the splice consensus sequence. ACMG/AMP Criteria applied: BP4; BP7 .